The following is an entry in ClinVar:

NM_004336.5(BUB1):c.541A>G (p.Asn181Asp)

Gene: BUB1 (BUB1 mitotic checkpoint serine/threonine kinase; minus strand). Cytogenetic location: 2q13.
Variant type: single nucleotide variant.
Coding change: c.541A>G on transcript NM_004336.5 (MANE Select); coding-DNA position 541, A replaced by G.
Protein change: p.Asn181Asp; replaces asparagine 181 with aspartic acid.
Molecular consequence: missense variant.
Genome position (GRCh38, 1-based): chr2:110,669,479, T>C on the plus strand (A>G on the coding strand, the complement: BUB1 is on the minus strand). VCF-style: chr2-110669479-T-C. GRCh37 (hg19) VCF-style: chr2-111427056-T-C.
Other names: c.481A>G, p.Asn161Asp (NM_001278616.2); c.541A>G, p.Asn181Asp (NM_001278617.2); short protein forms N181D, N161D.
Identifiers: ClinVar variation 1747412 (VCV001747412.2), dbSNP rs746235334, ClinGen allele CA1828327.

ClinVar aggregate classification (germline): Uncertain significance (1 of 4 stars; one submission).

Allele frequency attached by ClinVar (database versions not stated): ExAC 0.00001.
gnomAD v4.1: 1 of 1,602,466 alleles (0.000062%); no homozygotes.

Submission:

Ambry Genetics
Classification: Uncertain significance. Last evaluated: 2022-09-19. Review status: criteria provided, single submitter. Criteria: Ambry Variant Classification Scheme 2023. Collection method: clinical testing. Allele origin: germline.
Comment: The p.N181D variant (also known as c.541A>G), located in coding exon 6 of the BUB1 gene, results from an A to G substitution at nucleotide position 541. The asparagine at codon 181 is replaced by aspartic acid, an amino acid with highly similar properties. This amino acid position is conserved. In addition, this alteration is predicted to be tolerated by in silico analysis. Since supporting evidence is limited at this time, the clinical significance of this alteration remains unclear.